The following is an entry in ClinVar:

NM_001040142.2(SCN2A):c.1460C>T (p.Ser487Phe)

Gene: SCN2A (sodium voltage-gated channel alpha subunit 2; plus strand). Cytogenetic location: 2q24.3.
Variant type: single nucleotide variant.
Coding change: c.1460C>T on transcript NM_001040142.2 (MANE Select); coding-DNA position 1460, C replaced by T.
Protein change: p.Ser487Phe; replaces serine 487 with phenylalanine.
Molecular consequence: missense variant.
Genome position (GRCh38, 1-based): chr2:165,315,547, C>T. VCF-style: chr2-165315547-C-T. GRCh37 (hg19) VCF-style: chr2-166172057-C-T.
Other names: c.1460C>T, p.Ser487Phe (NM_001040143.2, NM_001371246.1, NM_001371247.1 and 1 more transcripts); short protein forms S487F.
Identifiers: ClinVar variation 1010928 (VCV001010928.9), dbSNP rs1697697157, ClinGen allele CA349022926.

ClinVar aggregate classification (germline): Uncertain significance (1 of 4 stars; one submission).

Conditions:
Developmental and epileptic encephalopathy, 11 (DEE11). Also called: Early infantile epileptic encephalopathy 11. Identifiers: Orphanet 1934, MedGen C3150987, MONDO:0013388, OMIM 613721.
Seizures, benign familial infantile, 3 (BFIS3). Also called: CONVULSIONS, BENIGN FAMILIAL INFANTILE, 3; Familial neonatal seizures. Identifiers: Orphanet 140927, Orphanet 306, MedGen C1843140, MONDO:0011904, OMIM 607745.

Allele frequency attached by ClinVar (database versions not stated): TOPMed below 0.00001.

Submission:

Labcorp Genetics (formerly Invitae), Labcorp
Classification: Uncertain significance for Seizures, benign familial infantile, 3; Developmental and epileptic encephalopathy, 11. Last evaluated: 2020-05-24. Review status: criteria provided, single submitter. Criteria: Invitae Variant Classification Sherloc (09022015). Collection method: clinical testing. Allele origin: germline.
Comment: In summary, the available evidence is currently insufficient to determine the role of this variant in disease. Therefore, it has been classified as a Variant of Uncertain Significance. Algorithms developed to predict the effect of missense changes on protein structure and function are either unavailable or do not agree on the potential impact of this missense change (SIFT: "Deleterious"; PolyPhen-2: "Probably Damaging"; Align-GVGD: "Class C15"). This variant has not been reported in the literature in individuals with SCN2A-related conditions. This variant is not present in population databases (ExAC no frequency). This sequence change replaces serine with phenylalanine at codon 487 of the SCN2A protein (p.Ser487Phe). The serine residue is highly conserved and there is a large physicochemical difference between serine and phenylalanine.